The following is an entry in ClinVar:

ClinVar aggregate classification (germline): Uncertain significance. Review status: criteria provided, multiple submitters, no conflicts (2 of 4 stars). 6 submissions from 6 submitters: Uncertain significance (5). 1 of the submissions does not count toward it. Last evaluated 2025-10-21.

Conditions:
Hereditary cancer-predisposing syndrome. Also called: Neoplastic Syndromes, Hereditary; Tumor predisposition; Hereditary neoplastic syndrome; Hereditary Cancer Syndrome. Identifiers: Orphanet 140162, MedGen C0027672, MeSH D009386, MONDO:0015356.
CDC73-related disorder. Also called: CDC73-related condition; CDC73-related disorders. Identifiers: MedGen CN169292.
Hyperparathyroidism 1 (HRPT1). Also called: HYPERPARATHYROIDISM, FAMILIAL ISOLATED PRIMARY. Identifiers: Orphanet 99879, MedGen C1840402, MONDO:0007767, OMIM 145000.
Parathyroid carcinoma (PRTC). Also called: Parathyroid gland carcinoma; CDC73-Related Parathyroid Carcinoma. Identifiers: Orphanet 143, MedGen C0687150, MONDO:0012004, OMIM 608266, HP:0006780.
Hyperparathyroidism 2 with jaw tumors. Also called: Hyperparathyroidism 2; Hyperparathyroidism-Jaw Tumor Syndrome; HYPERPARATHYROIDISM, FAMILIAL PRIMARY, WITH MULTIPLE OSSIFYING JAW FIBROMAS; HYPERPARATHYROIDISM-JAW TUMOR SYNDROME, HEREDITARY. Identifiers: Orphanet 99880, MedGen C1704981, MONDO:0007768, OMIM 145001.

Allele frequency attached by ClinVar (database versions not stated): ExAC 0.00001; gnomAD exomes 0.00001 and 0.00002; gnomAD 0.00002 and 0.00003; TOPMed 0.00003; 1000 Genomes Project 30x 0.00016; 1000 Genomes Project 0.00020.
gnomAD v4.1: 19 of 1,612,020 alleles (0.0012%); highest among the groups gnomAD compares: Admixed American, 0.0067%; no homozygotes.

Submissions (6):

Labcorp Genetics (formerly Invitae), Labcorp
Classification: Uncertain significance for Parathyroid carcinoma. Last evaluated: 2025-10-21. Review status: criteria provided, single submitter. Criteria: Invitae Variant Classification Sherloc (09022015). Collection method: clinical testing. Allele origin: germline.
Comment: This sequence change replaces threonine, which is neutral and polar, with alanine, which is neutral and non-polar, at codon 282 of the CDC73 protein (p.Thr282Ala). This variant is present in population databases (rs201236330, gnomAD 0.006%). This variant has not been reported in the literature in individuals affected with CDC73-related conditions. ClinVar contains an entry for this variant (Variation ID: 462770). Invitae Evidence Modeling of protein sequence and biophysical properties (such as structural, functional, and spatial information, amino acid conservation, physicochemical variation, residue mobility, and thermodynamic stability) indicates that this missense variant is not expected to disrupt CDC73 protein function with a negative predictive value of 80%. In summary, the available evidence is currently insufficient to determine the role of this variant in disease. Therefore, it has been classified as a Variant of Uncertain Significance.

Ambry Genetics
Classification: Uncertain significance for Hereditary cancer-predisposing syndrome. Last evaluated: 2025-04-22. Review status: criteria provided, single submitter. Criteria: Ambry Variant Classification Scheme 2023. Collection method: clinical testing. Allele origin: germline.
Comment: The p.T282A variant (also known as c.844A>G), located in coding exon 9 of the CDC73 gene, results from an A to G substitution at nucleotide position 844. The threonine at codon 282 is replaced by alanine, an amino acid with similar properties. This amino acid position is not well conserved in available vertebrate species. In addition, this alteration is predicted to be tolerated by in silico analysis. Since supporting evidence is limited at this time, the clinical significance of this alteration remains unclear.

Fulgent Genetics
Classification: Uncertain significance for Hyperparathyroidism 1; Hyperparathyroidism 2 with jaw tumors; Parathyroid carcinoma. Last evaluated: 2024-06-06. Review status: criteria provided, single submitter. Criteria: ACMG Guidelines, 2015. Collection method: clinical testing. Allele origin: germline.

Baylor Genetics
Classification: Uncertain significance for Hyperparathyroidism 1. Last evaluated: 2023-12-06. Review status: criteria provided, single submitter. Criteria: ACMG Guidelines, 2015. Collection method: clinical testing. Allele origin: unknown.

GeneDx
Classification: Uncertain significance. Last evaluated: 2023-05-01. Review status: criteria provided, single submitter. Criteria: GeneDx Variant Classification Process June 2021. Collection method: clinical testing. Allele origin: germline. Affected: yes.
Comment: Not observed at significant frequency in large population cohorts (gnomAD); In silico analysis supports that this missense variant does not alter protein structure/function; Has not been previously published as pathogenic or benign to our knowledge; This variant is associated with the following publications: (PMID: 15632063, 15923622)

PreventionGenetics, part of Exact Sciences
Classification: Uncertain significance for CDC73-related condition. Last evaluated: 2024-05-01. Review status: no assertion criteria provided. Collection method: clinical testing. Allele origin: germline. Not counted in ClinVar's aggregate classification.
Comment: The CDC73 c.844A>G variant is predicted to result in the amino acid substitution p.Thr282Ala. To our knowledge, this variant has not been reported in the literature. This variant is reported in 0.0058% of alleles in individuals of Latino descent in gnomAD. This variant is interpreted as a variant of uncertain significance in ClinVar. At this time, the clinical significance of this variant is uncertain due to the absence of conclusive functional and genetic evidence.

NM_024529.5(CDC73):c.844A>G (p.Thr282Ala)

Gene: CDC73 (cell division cycle 73; plus strand). Cytogenetic location: 1q31.2.
Variant type: single nucleotide variant.
Coding change: c.844A>G on transcript NM_024529.5 (MANE Select); coding-DNA position 844, A replaced by G.
Protein change: p.Thr282Ala; replaces threonine 282 with alanine.
Molecular consequence: missense variant.
Genome position (GRCh38, 1-based): chr1:193,150,319, A>G. VCF-style: chr1-193150319-A-G. GRCh37 (hg19) VCF-style: chr1-193119449-A-G.
Other names: short protein forms T282A.
Identifiers: ClinVar variation 462770 (VCV000462770.19), dbSNP rs201236330, ClinGen allele CA1303485.